The following is an entry in ClinVar:

NM_199420.4(POLQ):c.496A>G (p.Ile166Val)

Gene: POLQ (DNA polymerase theta; minus strand). Cytogenetic location: 3q13.33.
Variant type: single nucleotide variant.
Coding change: c.496A>G on transcript NM_199420.4 (MANE Select); coding-DNA position 496, A replaced by G.
Protein change: p.Ile166Val; replaces isoleucine 166 with valine.
Molecular consequence: missense variant.
Genome position (GRCh38, 1-based): chr3:121,539,568, T>C on the plus strand (A>G on the coding strand, the complement: POLQ is on the minus strand). VCF-style: chr3-121539568-T-C. GRCh37 (hg19) VCF-style: chr3-121258415-T-C.
Other names: short protein forms I166V.
Identifiers: ClinVar variation 1744449 (VCV001744449.3), dbSNP rs749301740, ClinGen allele CA2563795.

ClinVar aggregate classification (germline): Uncertain significance (1 of 4 stars; one submission).

Allele frequency attached by ClinVar (database versions not stated): gnomAD exomes below 0.00001; ExAC 0.00001.
gnomAD v4.1: 4 of 1,612,924 alleles (0.00025%); highest among the groups gnomAD compares: Non-Finnish European, 0.00034%; no homozygotes.

Submission:

Ambry Genetics
Classification: Uncertain significance. Last evaluated: 2024-07-27. Review status: criteria provided, single submitter. Criteria: Ambry Variant Classification Scheme 2023. Collection method: clinical testing. Allele origin: germline.
Comment: The p.I166V variant (also known as c.496A>G), located in coding exon 4 of the POLQ gene, results from an A to G substitution at nucleotide position 496. The isoleucine at codon 166 is replaced by valine, an amino acid with highly similar properties. This amino acid position is conserved. In addition, this alteration is predicted to be tolerated by in silico analysis. Since supporting evidence is limited at this time, the clinical significance of this alteration remains unclear.